The following is an entry in ClinVar:

NM_000136.3(FANCC):c.90C>G (p.Thr30=)

Gene: FANCC (FA complementation group C; minus strand). Cytogenetic location: 9q22.32.
Variant type: single nucleotide variant.
Coding change: c.90C>G on transcript NM_000136.3 (MANE Select); coding-DNA position 90, C replaced by G.
Protein change: p.Thr30=; no amino-acid change (threonine 30 retained).
Molecular consequence: synonymous variant.
Genome position (GRCh38, 1-based): chr9:95,249,202, G>C on the plus strand (C>G on the coding strand, the complement: FANCC is on the minus strand). VCF-style: chr9-95249202-G-C. GRCh37 (hg19) VCF-style: chr9-98011484-G-C.
Other names: c.90C>G, p.Thr30= (NM_001243743.2, NM_001243744.2).
Identifiers: ClinVar variation 507347 (VCV000507347.11), dbSNP rs756684704, ClinGen allele CA466276100.

ClinVar aggregate classification (germline): Likely benign. Review status: criteria provided, multiple submitters, no conflicts (2 of 4 stars). 3 submissions from 3 submitters: Likely benign (3). Last evaluated 2022-01-31.

Conditions:
Hereditary cancer-predisposing syndrome. Also called: Hereditary neoplastic syndrome; Hereditary Cancer Syndrome; Neoplastic Syndromes, Hereditary; Tumor predisposition. Identifiers: Orphanet 140162, MedGen C0027672, MeSH D009386, MONDO:0015356.
Fanconi anemia (FA). Also called: Fanconi's anemia. Identifiers: Orphanet 84, MedGen C0015625, MeSH D005199, MONDO:0019391.

Submissions (3):

Ambry Genetics
Classification: Likely benign for Hereditary cancer-predisposing syndrome. Last evaluated: 2022-01-31. Review status: criteria provided, single submitter. Criteria: Ambry Variant Classification Scheme 2023. Collection method: clinical testing. Allele origin: germline.

Labcorp Genetics (formerly Invitae), Labcorp
Classification: Likely benign for Fanconi anemia. Last evaluated: 2021-09-17. Review status: criteria provided, single submitter. Criteria: Invitae Variant Classification Sherloc (09022015). Collection method: clinical testing. Allele origin: germline.

GeneDx
Classification: Likely benign. Last evaluated: 2017-02-09. Review status: criteria provided, single submitter. Criteria: GeneDx Variant Classification (06012015). Collection method: clinical testing. Allele origin: germline. Affected: yes.
Comment: This variant is considered likely benign or benign based on one or more of the following criteria: it is a conservative change, it occurs at a poorly conserved position in the protein, it is predicted to be benign by multiple in silico algorithms, and/or has population frequency not consistent with disease.